The following is an entry in ClinVar:

NM_021076.4(NEFH):c.875G>A (p.Trp292Ter)

Gene: NEFH (neurofilament heavy chain; plus strand). Cytogenetic location: 22q12.2.
Variant type: single nucleotide variant.
Coding change: c.875G>A on transcript NM_021076.4 (MANE Select); coding-DNA position 875, G replaced by A.
Protein change: p.Trp292Ter; replaces tryptophan 292 with a stop codon.
Molecular consequence: nonsense.
Genome position (GRCh38, 1-based): chr22:29,481,137, G>A. VCF-style: chr22-29481137-G-A. GRCh37 (hg19) VCF-style: chr22-29877126-G-A.
Other names: short protein forms W292*.
Identifiers: ClinVar variation 4883802 (VCV004883802.2).

ClinVar aggregate classification (germline): Uncertain significance (1 of 4 stars; one submission).

Submission:

Dasa
Classification: Uncertain significance. Last evaluated: 2026-01-29. Review status: criteria provided, single submitter. Criteria: DASA Assertion Criteria. Collection method: clinical testing. Allele origin: germline.
Comment: NM_021076.4(NEFH):c.875G>A (p.Trp292*) is a nonsense variant in NEFH predicted to introduce a premature termination codon. This variant is rare in population databases. The currently available literature and clinical evidence are not sufficient to establish a definitive association between this variant and the reported condition. Therefore, this variant is classified as a variant of uncertain significance.